The following is an entry in ClinVar:

NM_032608.7(MYO18B):c.3508G>A (p.Ala1170Thr)

Gene: MYO18B (myosin XVIIIB; plus strand). Cytogenetic location: 22q12.1.
Variant type: single nucleotide variant.
Coding change: c.3508G>A on transcript NM_032608.7 (MANE Select); coding-DNA position 3508, G replaced by A.
Protein change: p.Ala1170Thr; replaces alanine 1170 with threonine.
Molecular consequence: missense variant.
Genome position (GRCh38, 1-based): chr22:25,846,239, G>A. VCF-style: chr22-25846239-G-A. GRCh37 (hg19) VCF-style: chr22-26242206-G-A.
Other names: c.3511G>A, p.Ala1171Thr (NM_001318245.2); short protein forms A1170T, A1171T.
Identifiers: ClinVar variation 3401357 (VCV003401357.2).

ClinVar aggregate classification (germline): Uncertain significance. Review status: criteria provided, multiple submitters, no conflicts (2 of 4 stars). 2 submissions from 2 submitters: Uncertain significance (2). Last evaluated 2025-08-12.

Conditions:
Inborn genetic diseases. Identifiers: MedGen C0950123, MeSH D030342.

gnomAD v4.1: 9 of 1,612,254 alleles (0.00056%); highest among the groups gnomAD compares: Non-Finnish European, 0.00059%; no homozygotes.

Submissions (2):

Labcorp Genetics (formerly Invitae), Labcorp
Classification: Uncertain significance. Last evaluated: 2025-08-12. Review status: criteria provided, single submitter. Criteria: Invitae Variant Classification Sherloc (09022015). Collection method: clinical testing. Allele origin: germline.
Comment: This sequence change replaces alanine, which is neutral and non-polar, with threonine, which is neutral and polar, at codon 1170 of the MYO18B protein (p.Ala1170Thr). This variant is present in population databases (no rsID available, gnomAD 0.0009%). This variant has not been reported in the literature in individuals affected with MYO18B-related conditions. ClinVar contains an entry for this variant (Variation ID: 3401357). An algorithm developed to predict the effect of missense changes on protein structure and function (PolyPhen-2) suggests that this variant is likely to be disruptive. In summary, the available evidence is currently insufficient to determine the role of this variant in disease. Therefore, it has been classified as a Variant of Uncertain Significance.

Ambry Genetics
Classification: Uncertain significance for Inborn genetic diseases. Last evaluated: 2024-09-11. Review status: criteria provided, single submitter. Criteria: Ambry Variant Classification Scheme 2023. Collection method: clinical testing. Allele origin: germline.